The following is an entry in ClinVar:

NM_018699.4(PRDM5):c.1861A>G (p.Met621Val)

Gene: PRDM5 (PR/SET domain 5; minus strand). Cytogenetic location: 4q27.
Variant type: single nucleotide variant.
Coding change: c.1861A>G on transcript NM_018699.4 (MANE Select); coding-DNA position 1861, A replaced by G.
Protein change: p.Met621Val; replaces methionine 621 with valine.
Molecular consequence: missense variant. On other transcripts: 3 prime UTR variant (1).
Genome position (GRCh38, 1-based): chr4:120,695,143, T>C on the plus strand (A>G on the coding strand, the complement: PRDM5 is on the minus strand). VCF-style: chr4-120695143-T-C. GRCh37 (hg19) VCF-style: chr4-121616298-T-C.
Other names: c.1768A>G, p.Met590Val (NM_001300823.2); c.*176A>G (NM_001300824.2); c.1894A>G, p.Met632Val (NM_001379104.1); c.1663A>G, p.Met555Val (NM_001379106.1); short protein forms M590V, M555V, M621V, M632V.
Identifiers: ClinVar variation 3309805 (VCV003309805.1).
Genomic context (GRCh38, chr4:120,695,143, plus strand): 5'-GAATAGTTTAATTCCTTTACAGCCCCTATTAGCTGTCAGCTACACCATGGATATTGTCCA[T>C]GTGCACTTTGAGGTAGTCATTCCTTGTAAACTTCTTATGGCAAAACTGGCATTCTGCCAG-3'
Protein context (NP_061169.2, residues 611-630): FTRNDYLKVH[Met621Val]DNIHGVADS

ClinVar aggregate classification (germline): Uncertain significance (1 of 4 stars; one submission).

Conditions:
Cardiovascular phenotype. Identifiers: MedGen CN230736.

gnomAD v4.1: 4 of 1,613,388 alleles (0.00025%); highest among the groups gnomAD compares: Non-Finnish European, 0.00025%; no homozygotes.

Submission:

Ambry Genetics
Classification: Uncertain significance for Cardiovascular phenotype. Last evaluated: 2024-04-12. Review status: criteria provided, single submitter. Criteria: Ambry Variant Classification Scheme 2023. Collection method: clinical testing. Allele origin: germline.
Comment: The p.M621V variant (also known as c.1861A>G), located in coding exon 16 of the PRDM5 gene, results from an A to G substitution at nucleotide position 1861. The methionine at codon 621 is replaced by valine, an amino acid with highly similar properties. This amino acid position is conserved. In addition, the in silico prediction for this alteration is inconclusive. Based on the available evidence, the clinical significance of this variant remains unclear.